The following is an entry in ClinVar:

ClinVar aggregate classification (germline): Pathogenic (1 of 4 stars; one submission).

Conditions:
Hereditary cancer-predisposing syndrome. Also called: Hereditary Cancer Syndrome; Hereditary neoplastic syndrome; Neoplastic Syndromes, Hereditary; Tumor predisposition. Identifiers: Orphanet 140162, MedGen C0027672, MeSH D009386, MONDO:0015356.

Submission:

Ambry Genetics
Classification: Pathogenic for Hereditary cancer-predisposing syndrome. Last evaluated: 2020-07-10. Review status: criteria provided, single submitter. Criteria: Ambry Variant Classification Scheme 2023. Collection method: clinical testing. Allele origin: germline.
Comment: The c.456delG pathogenic mutation, located in coding exon 4 of the CDH1 gene, results from a deletion of one nucleotide at nucleotide position 456, causing a translational frameshift with a predicted alternate stop codon (p.K153Rfs*62). This alteration is expected to result in loss of function by premature protein truncation or nonsense-mediated mRNA decay. As such, this alteration is interpreted as a disease-causing mutation.

NM_004360.5(CDH1):c.456del (p.Lys153fs)

Gene: CDH1 (cadherin 1; plus strand). Cytogenetic location: 16q22.1.
Variant type: Deletion.
Coding change: c.456del on transcript NM_004360.5 (MANE Select); coding-DNA position 456, one base deleted (G; older notation c.456delG).
Protein change: p.Lys153fs; shifts the reading frame from lysine 153.
Molecular consequence: frameshift variant. On other transcripts: 5 prime UTR variant (2).
Genome position (GRCh38, 1-based): chr16:68,808,492, G deleted. VCF-style (leftmost placement, unchanged base first): chr16-68808491-AG-A. GRCh37 (hg19) VCF-style: chr16-68842394-AG-A.
Other names: c.456del, p.Lys153fs (NM_001317184.2); c.-1160del (NM_001317185.2); c.-1364del (NM_001317186.2); short protein forms K153fs.
Identifiers: ClinVar variation 1741548 (VCV001741548.2), dbSNP rs2543914658, ClinGen allele CA2580091920.